The following is an entry in ClinVar:

ClinVar aggregate classification (germline): Conflicting classifications of pathogenicity. Review status: criteria provided, conflicting classifications (1 of 4 stars). 3 submissions from 3 submitters: Uncertain significance (2); Likely benign (1). Last evaluated 2025-09-09.

Conditions:
Glomerulopathy with fibronectin deposits 2 (GFND2). Identifiers: Orphanet 84090, MedGen C1866075, MONDO:0011165, OMIM 601894.
Spondylometaphyseal dysplasia - Sutcliffe type. Also called: Sutcliffe type of spondylometaphyseal dysplasia; Sutcliffe SMD; Spondylometaphyseal dysplasia, 'corner fracture' type; Spondylometaphyseal Dysplasia, Corner Fracture Type. Identifiers: Orphanet 93315, MedGen C0432221, MONDO:0008479, OMIM 184255.
Inborn genetic diseases. Identifiers: MedGen C0950123, MeSH D030342.

gnomAD v4.1: 35 of 1,613,994 alleles (0.0022%); highest among the groups gnomAD compares: African/African-American, 0.043%; no homozygotes.

Submissions (3):

Ambry Genetics
Classification: Likely benign for Inborn genetic diseases. Last evaluated: 2025-09-09. Review status: criteria provided, single submitter. Criteria: Ambry Variant Classification Scheme 2023. Collection method: clinical testing. Allele origin: germline.

Labcorp Genetics (formerly Invitae), Labcorp
Classification: Uncertain significance. Last evaluated: 2025-04-28. Review status: criteria provided, single submitter. Criteria: Invitae Variant Classification Sherloc (09022015). Collection method: clinical testing. Allele origin: germline.
Comment: This sequence change replaces arginine, which is basic and polar, with serine, which is neutral and polar, at codon 2020 of the FN1 protein (p.Arg2020Ser). This variant is present in population databases (rs369278895, gnomAD 0.05%). This variant has not been reported in the literature in individuals affected with FN1-related conditions. ClinVar contains an entry for this variant (Variation ID: 3585432). An algorithm developed to predict the effect of missense changes on protein structure and function (PolyPhen-2) suggests that this variant is likely to be tolerated. In summary, the available evidence is currently insufficient to determine the role of this variant in disease. Therefore, it has been classified as a Variant of Uncertain Significance.

Fulgent Genetics
Classification: Uncertain significance for Spondylometaphyseal dysplasia - Sutcliffe type; Glomerulopathy with fibronectin deposits 2. Last evaluated: 2024-04-10. Review status: criteria provided, single submitter. Criteria: ACMG Guidelines, 2015. Collection method: clinical testing. Allele origin: germline.

NM_212482.4(FN1):c.6060G>C (p.Arg2020Ser)

Gene: FN1 (fibronectin 1; minus strand). Cytogenetic location: 2q35.
Variant type: single nucleotide variant.
Coding change: c.6060G>C on transcript NM_212482.4 (MANE Select); coding-DNA position 6060, G replaced by C.
Protein change: p.Arg2020Ser; replaces arginine 2020 with serine.
Molecular consequence: missense variant.
Genome position (GRCh38, 1-based): chr2:215,375,311, C>G on the plus strand (G>C on the coding strand, the complement: FN1 is on the minus strand). VCF-style: chr2-215375311-C-G. GRCh37 (hg19) VCF-style: chr2-216240034-C-G.
Other names: c.6060G>C, p.Arg2020Ser (NM_001306129.2); c.6060G>C (NM_212482.1); c.5790G>C, p.Arg1930Ser (NM_001306130.2, NM_001365517.2, NM_001365519.2 and 2 more transcripts); c.5517G>C, p.Arg1839Ser (NM_001306131.2, NM_001306132.2, NM_001365523.2 and 2 more transcripts); c.5787G>C, p.Arg1929Ser (NM_001365518.2, NM_001365520.2, NM_001365524.2 and 2 more transcripts); short protein forms R1839S, R1929S, R1930S, R2020S.
Identifiers: ClinVar variation 3585432 (VCV003585432.4).